The following is an entry in ClinVar:

NM_024675.4(PALB2):c.2959C>T (p.Gln987Ter)

Gene: PALB2 (partner and localizer of BRCA2; minus strand). Cytogenetic location: 16p12.2.
Variant type: single nucleotide variant.
Coding change: c.2959C>T on transcript NM_024675.4 (MANE Select); coding-DNA position 2959, C replaced by T.
Protein change: p.Gln987Ter; replaces glutamine 987 with a stop codon.
Molecular consequence: nonsense. On other transcripts: intron variant (1).
Genome position (GRCh38, 1-based): chr16:23,623,006, G>A on the plus strand (C>T on the coding strand, the complement: PALB2 is on the minus strand). VCF-style: chr16-23623006-G-A. GRCh37 (hg19) VCF-style: chr16-23634327-G-A.
Other names: c.2899C>T, p.Gln967Ter (NM_001407296.1); c.2887C>T, p.Gln963Ter (NM_001407297.1); c.2797C>T, p.Gln933Ter (NM_001407298.1, NM_001407302.1); c.2959C>T, p.Gln987Ter (NM_001407299.1, NM_001407301.1); c.2074C>T, p.Gln692Ter (NM_001407304.1, NM_001407305.1, NM_001407306.1 and 4 more transcripts); c.1912C>T, p.Gln638Ter (NM_001407307.1); c.1171C>T, p.Gln391Ter (NM_001407312.1, NM_001407313.1); c.493C>T, p.Gln165Ter (NM_001407314.1); and 1 more; short protein forms Q165*, Q391*, Q638*, Q692*, Q933*, Q963*, Q967*, Q987*.
Identifiers: ClinVar variation 3774408 (VCV003774408.3).

ClinVar aggregate classification (germline): Pathogenic/Likely pathogenic. Review status: criteria provided, multiple submitters, no conflicts (2 of 4 stars). 3 submissions from 3 submitters: Pathogenic (2); Likely pathogenic (1). Last evaluated 2026-08-10.

Conditions:
Hereditary cancer-predisposing syndrome. Also called: Tumor predisposition; Hereditary neoplastic syndrome; Hereditary Cancer Syndrome; Neoplastic Syndromes, Hereditary. Identifiers: Orphanet 140162, MedGen C0027672, MeSH D009386, MONDO:0015356.
PALB2-related disorder. Also called: PALB2-related condition; PALB2-related disorders.

Submissions (3):

Ambry Genetics
Classification: Pathogenic for Hereditary cancer-predisposing syndrome. Last evaluated: 2026-08-10. Review status: criteria provided, single submitter. Criteria: Ambry Variant Classification Scheme 2023. Collection method: clinical testing. Allele origin: germline.
Comment: The p.Q987* variant (also known as c.2959C>T), located in coding exon 9 of the PALB2 gene, results from a C to T substitution at nucleotide position 2959. This changes the amino acid from a glutamine to a stop codon within coding exon 9. This variant is considered to be rare based on population cohorts in the Genome Aggregation Database (gnomAD). This alteration is expected to result in loss of function by premature protein truncation or nonsense-mediated mRNA decay. As such, this alteration is interpreted as a disease-causing mutation.

Molecular Diagnostics Laboratory, Catalan Institute of Oncology
Classification: Pathogenic for Hereditary cancer-predisposing syndrome. Last evaluated: 2024-10-23. Review status: criteria provided, single submitter. Criteria: ClinGen ACMG Specifications PALB2 V1.0.0. Collection method: clinical testing. Allele origin: germline.
Comment: PVS1, PM2_Supporting, PM5_Supporting c.2959C>T, located in exon 9 of the PALB2 gene, is a nonsense variant expected to result in loss of function by premature protein truncation and nonsense-mediated mRNA decay, p.(Gln987*) (PVS1, PM5_Supporting). It is not present in the population database gnomAD v2.1.1, non cancer dataset (PM2_supporting). The SpliceAI algorithm results in a non-informative deltascore (donor loss: 0.28) for the effect of this variant on splicing. To our knowledge, neither relevant clinical data nor well-stablished functional studies have been reported for this variant. This variant has not been reported neither in ClinVar nor in LOVD databases. Based on currently available information, the variant c.2959C>T should be considered a pathogenic variant.

Blueprint Genetics
Classification: Likely pathogenic for PALB2-related disorders. Last evaluated: 2023-08-16. Review status: criteria provided, single submitter. Criteria: ACMG Guidelines, 2015. Collection method: clinical testing. Allele origin: germline. Affected: yes. Observed: 1 variant allele.